The following is an entry in ClinVar:

NM_003128.3(SPTBN1):c.4998-607G>T

Gene: SPTBN1 (spectrin beta, non-erythrocytic 1; plus strand). Cytogenetic location: 2p16.2.
Variant type: single nucleotide variant.
Coding change: c.4998-607G>T on transcript NM_003128.3 (MANE Select); 607 bases into the intron before coding-DNA position 4998, G replaced by T.
Molecular consequence: intron variant.
Genome position (GRCh38, 1-based): chr2:54,648,379, G>T. VCF-style: chr2-54648379-G-T. GRCh37 (hg19) VCF-style: chr2-54875516-G-T.
Other names: c.4959-607G>T (NM_178313.3).
Identifiers: ClinVar variation 4855998 (VCV004855998.1).

ClinVar aggregate classification (germline): Likely pathogenic (1 of 4 stars; one submission).

Conditions:
Developmental delay, impaired speech, and behavioral abnormalities. Identifiers: MedGen C5561957, MONDO:0859178, OMIM 619475.

Submission:

3billion
Classification: Likely pathogenic for Developmental delay, impaired speech, and behavioral abnormalities. Last evaluated: 2026-01-05. Review status: criteria provided, single submitter. Criteria: ACMG Guidelines, 2015. Collection method: clinical testing. Allele origin: germline. Affected: yes.
Comment: The variant is not observed in the gnomAD v4.1.0 dataset. Predicted Consequence/Location: Intron variant In silico tools predict the variant to alter splicing and produce an abnormal transcript [SpliceAI: 0.27 (>=0.2, moderate evidence for spliceogenicity)]. Therefore, this variant is classified as Likely pathogenic according to the recommendation of ACMG/AMP guideline.